The following is an entry in ClinVar:

ClinVar aggregate classification (germline): Uncertain significance (1 of 4 stars; one submission).

Conditions:
ALG8 congenital disorder of glycosylation. Also called: CONGENITAL DISORDER OF GLYCOSYLATION, TYPE Ih; CDG Ih; ALG8-CDG. Identifiers: Orphanet 79325, MedGen C2931002, MONDO:0011969, OMIM 608104.

Submission:

Labcorp Genetics (formerly Invitae), Labcorp
Classification: Uncertain significance for ALG8 congenital disorder of glycosylation. Last evaluated: 2024-10-23. Review status: criteria provided, single submitter. Criteria: Invitae Variant Classification Sherloc (09022015). Collection method: clinical testing. Allele origin: germline.
Comment: This sequence change replaces valine, which is neutral and non-polar, with isoleucine, which is neutral and non-polar, at codon 328 of the ALG8 protein (p.Val328Ile). This variant is not present in population databases (gnomAD no frequency). This variant has not been reported in the literature in individuals affected with ALG8-related conditions. ClinVar contains an entry for this variant (Variation ID: 1393772). An algorithm developed to predict the effect of missense changes on protein structure and function (PolyPhen-2) suggests that this variant is likely to be disruptive. In summary, the available evidence is currently insufficient to determine the role of this variant in disease. Therefore, it has been classified as a Variant of Uncertain Significance.

NM_024079.5(ALG8):c.982G>A (p.Val328Ile)

Gene: ALG8 (ALG8 alpha-1,3-glucosyltransferase; minus strand). Cytogenetic location: 11q14.1.
Variant type: single nucleotide variant.
Coding change: c.982G>A on transcript NM_024079.5 (MANE Select); coding-DNA position 982, G replaced by A.
Protein change: p.Val328Ile; replaces valine 328 with isoleucine.
Molecular consequence: missense variant.
Genome position (GRCh38, 1-based): chr11:78,109,498, C>T on the plus strand (G>A on the coding strand, the complement: ALG8 is on the minus strand). VCF-style: chr11-78109498-C-T. GRCh37 (hg19) VCF-style: chr11-77820544-C-T.
Other names: c.982G>A, p.Val328Ile (NM_001007027.3); short protein forms V328I.
Identifiers: ClinVar variation 1393772 (VCV001393772.6), dbSNP rs2136891638, ClinGen allele CA382114845.